The following is an entry in ClinVar:

ClinVar aggregate classification (germline): Benign/Likely benign. Review status: criteria provided, multiple submitters, no conflicts (2 of 4 stars). 9 submissions from 8 submitters: Benign (4); Likely benign (5). Last evaluated 2026-03-01.

Conditions:
HSPG2-related disorder. Also called: HSPG2-related condition; HSPG2-related disorders.
Schwartz-Jampel syndrome. Also called: Myotonic myopathy dwarfism chondrodystrophy and ocular and facial abnormalities. Identifiers: Orphanet 800, MedGen C0036391, MONDO:0009717.
Lethal Kniest-like syndrome (DDSH). Also called: Dyssegmental Dysplasia. Identifiers: Orphanet 1865, MedGen C1857100, MONDO:0009140, OMIM 224410.

Allele frequency attached by ClinVar (database versions not stated): gnomAD exomes 0.00103; ExAC 0.00209; gnomAD 0.00389 and 0.00408; ESP Exome Variant Server 0.00410; TOPMed 0.00428; 1000 Genomes Project 0.00539; 1000 Genomes Project 30x 0.00640.

Submissions (9):

CeGaT Center for Human Genetics Tuebingen
Classification: Likely benign. Last evaluated: 2026-03-01. Review status: criteria provided, single submitter. Criteria: CeGaT Center For Human Genetics Tuebingen Variant Classification Criteria Version 2. Collection method: clinical testing. Allele origin: germline. Affected: yes. Observed: 1 variant allele.
Comment: HSPG2: BP4, BS1

Labcorp Genetics (formerly Invitae), Labcorp
Classification: Benign. Last evaluated: 2025-10-09. Review status: criteria provided, single submitter. Criteria: Invitae Variant Classification Sherloc (09022015). Collection method: clinical testing. Allele origin: germline.

PreventionGenetics, part of Exact Sciences
Classification: Likely benign for HSPG2-related condition. Last evaluated: 2024-11-03. Review status: criteria provided, single submitter. Criteria: ACMG Guidelines, 2015. Collection method: clinical testing. Allele origin: germline.
Comment: This variant is classified as likely benign based on ACMG/AMP sequence variant interpretation guidelines (Richards et al. 2015 PMID: 25741868, with internal and published modifications).

GeneDx
Classification: Likely benign. Last evaluated: 2020-08-28. Review status: criteria provided, single submitter. Criteria: GeneDx Variant Classification Process June 2021. Collection method: clinical testing. Allele origin: germline. Affected: yes.

ARUP Laboratories, Molecular Genetics and Genomics, ARUP Laboratories
Classification: Likely benign. Last evaluated: 2020-08-24. Review status: criteria provided, single submitter. Criteria: ARUP Molecular Germline Variant Investigation Process. Collection method: clinical testing. Allele origin: germline.

Illumina Laboratory Services, Illumina
Classification: Benign for Lethal Kniest-like syndrome. Last evaluated: 2018-01-12. Review status: criteria provided, single submitter. Criteria: ICSL Variant Classification Criteria 13 December 2019. Collection method: clinical testing. Allele origin: germline.
Comment: This variant was observed in the ICSL laboratory as part of a predisposition screen in an ostensibly healthy population. It had not been previously curated by ICSL or reported in the Human Gene Mutation Database (HGMD: prior to June 1st, 2018), and was therefore a candidate for classification through an automated scoring system. Utilizing variant allele frequency, disease prevalence and penetrance estimates, and inheritance mode, an automated score was calculated to assess if this variant is too frequent to cause the disease. Based on the score and internal cut-off values, a variant classified as benign is not then subjected to further curation. The score for this variant resulted in a classification of benign for this disease.

Illumina Laboratory Services, Illumina
Classification: Benign for Schwartz-Jampel syndrome type 1. Last evaluated: 2018-01-12. Review status: criteria provided, single submitter. Criteria: ICSL Variant Classification Criteria 13 December 2019. Collection method: clinical testing. Allele origin: germline.
Comment: the same text as in the submission from Illumina Laboratory Services, Illumina above.

Athena Diagnostics
Classification: Benign. Last evaluated: 2017-04-26. Review status: criteria provided, single submitter. Criteria: Athena Diagnostics Criteria. Collection method: clinical testing. Allele origin: germline.

Breakthrough Genomics
Classification: Likely benign. Review status: criteria provided, single submitter. Criteria: ACMG Guidelines, 2015. Collection method: not provided. Allele origin: germline. Inheritance: Autosomal recessive inheritance. Affected: yes.

NM_005529.7(HSPG2):c.5756G>A (p.Arg1919His)

Gene: HSPG2 (heparan sulfate proteoglycan 2; minus strand). Cytogenetic location: 1p36.12.
Variant type: single nucleotide variant.
Coding change: c.5756G>A on transcript NM_005529.7 (MANE Select); coding-DNA position 5756, G replaced by A.
Protein change: p.Arg1919His; replaces arginine 1919 with histidine.
Molecular consequence: missense variant.
Genome position (GRCh38, 1-based): chr1:21,855,621, C>T on the plus strand (G>A on the coding strand, the complement: HSPG2 is on the minus strand). VCF-style: chr1-21855621-C-T. GRCh37 (hg19) VCF-style: chr1-22182114-C-T.
Other names: c.5759G>A, p.Arg1920His (NM_001291860.2); short protein forms R1919H, R1920H.
Identifiers: ClinVar variation 295825 (VCV000295825.33), dbSNP rs62642521, ClinGen allele CA671795.
Genomic context (GRCh38, chr1:21,855,621, plus strand): 5'-GCGCTGCTGTGGGCTCGGCACAAGTACTGGGCCTGATCCGTGGGCTCGACAGCTGGCAGG[C>T]GCAGGATGCCGCCGTGGATTTGTGCCTTCGCAGGGAGCTGGCCGCCGGGGCCCCCTGACG-3'
Protein context (NP_005520.4, residues 1909-1929): AKAQIHGGIL[Arg1919His]LPAVEPTDQA